The following is an entry in ClinVar:

ClinVar aggregate classification (germline): not provided (0 of 4 stars; one submission).

Conditions:
Developmental and epileptic encephalopathy, 7 (DEE7). Also called: KCNQ2-Related Neonatal Epileptic Encephalopathy; Early infantile epileptic encephalopathy 7; KCNQ2-Related Neonatal-Onset Developmental and Epileptic Encephalopathy (NEO-DEE). Identifiers: Orphanet 439218, MedGen C3150986, MONDO:0013387, OMIM 613720.

Submission:

GeneReviews
No classification provided. Condition: Developmental and epileptic encephalopathy, 7. Review status: no classification provided. Collection method: literature only. Allele origin: germline. Affected: yes.
Comment: EE (epileptic encephalopathy)

Literature cited by the submitters: PubMed 23621294; NCBI Bookshelf NBK32534.

NM_172107.4(KCNQ2):c.854C>A (p.Pro285His)

Gene: KCNQ2 (potassium voltage-gated channel subfamily Q member 2; minus strand). Cytogenetic location: 20q13.33.
Variant type: single nucleotide variant.
Coding change: c.854C>A on transcript NM_172107.4 (MANE Select); coding-DNA position 854, C replaced by A.
Protein change: p.Pro285His; replaces proline 285 with histidine.
Molecular consequence: missense variant.
Genome position (GRCh38, 1-based): chr20:63,439,671, G>T on the plus strand (C>A on the coding strand, the complement: KCNQ2 is on the minus strand). VCF-style: chr20-63439671-G-T. GRCh37 (hg19) VCF-style: chr20-62071024-G-T.
Other names: c.854C>A, p.Pro285His (NM_004518.6, NM_172106.3, NM_172108.5 and 1 more transcripts); short protein forms P285H.
Identifiers: ClinVar variation 369766 (VCV000369766.2), dbSNP rs1057516097, ClinGen allele CA10654813.